The following is an entry in ClinVar:

ClinVar aggregate classification (germline): Uncertain significance (1 of 4 stars; one submission).

Submission:

GeneDx
Classification: Uncertain significance. Last evaluated: 2022-07-02. Review status: criteria provided, single submitter. Criteria: GeneDx Variant Classification Process June 2021. Collection method: clinical testing. Allele origin: germline. Affected: yes.
Comment: Not observed at significant frequency in large population cohorts (gnomAD); In silico analysis supports that this missense variant has a deleterious effect on protein structure/function; Has not been previously published as pathogenic or benign to our knowledge

NM_001039591.3(USP9X):c.5788T>A (p.Phe1930Ile)

Gene: USP9X (ubiquitin specific peptidase 9 X-linked; plus strand). Cytogenetic location: Xp11.4.
Variant type: single nucleotide variant.
Coding change: c.5788T>A on transcript NM_001039591.3 (MANE Select); coding-DNA position 5788, T replaced by A.
Protein change: p.Phe1930Ile; replaces phenylalanine 1930 with isoleucine.
Molecular consequence: missense variant.
Genome position (GRCh38, 1-based): chrX:41,216,355, T>A. VCF-style: chrX-41216355-T-A. GRCh37 (hg19) VCF-style: chrX-41075608-T-A.
Other names: c.5788T>A, p.Phe1930Ile (NM_001039590.3); c.5803T>A, p.Phe1935Ile (NM_001410748.1, NM_001410749.1); short protein forms F1930I, F1935I.
Identifiers: ClinVar variation 1809960 (VCV001809960.1), dbSNP rs1451683856, ClinGen allele CA412793212.